The following is an entry in ClinVar:

ClinVar aggregate classification (germline): Uncertain significance. Review status: criteria provided, multiple submitters, no conflicts (2 of 4 stars). 3 submissions from 3 submitters: Uncertain significance (3). Last evaluated 2024-10-11.

Conditions:
Hereditary nonpolyposis colorectal neoplasms. Identifiers: MedGen C0009405, MeSH D003123.
Hereditary cancer-predisposing syndrome. Also called: Neoplastic Syndromes, Hereditary; Tumor predisposition; Hereditary Cancer Syndrome; Hereditary neoplastic syndrome. Identifiers: Orphanet 140162, MedGen C0027672, MeSH D009386, MONDO:0015356.
Lynch syndrome. Identifiers: Orphanet 144, MedGen C4552100, MONDO:0005835. Disease mechanism: loss of function.

Submissions (3):

Ambry Genetics
Classification: Uncertain significance for Hereditary cancer-predisposing syndrome. Last evaluated: 2024-10-11. Review status: criteria provided, single submitter. Criteria: Ambry Variant Classification Scheme 2023. Collection method: clinical testing. Allele origin: germline.
Comment: The p.L350I variant (also known as c.1048C>A), located in coding exon 10 of the PMS2 gene, results from a C to A substitution at nucleotide position 1048. The leucine at codon 350 is replaced by isoleucine, an amino acid with highly similar properties. This amino acid position is well conserved in available vertebrate species. In addition, the in silico prediction for this alteration is inconclusive. Based on the available evidence, the clinical significance of this variant remains unclear.

All of Us Research Program, National Institutes of Health
Classification: Uncertain significance for Lynch syndrome. Last evaluated: 2023-10-02. Review status: criteria provided, single submitter. Criteria: ACMG Guidelines, 2015. Collection method: clinical testing. Allele origin: germline. Inheritance: Autosomal dominant inheritance. Observed: 1 variant allele, 1 heterozygote.
Comment: This missense variant replaces leucine with isoleucine at codon 350 of the PMS2 protein. Computational prediction is inconclusive regarding the impact of this variant on protein structure and function (internally defined REVEL score threshold 0.5 < inconclusive < 0.7, PMID: 27666373). To our knowledge, functional studies have not been reported for this variant. This variant has not been reported in individuals affected with PMS2-related disorders in the literature. This variant has not been identified in the general population by the Genome Aggregation Database (gnomAD). The available evidence is insufficient to determine the role of this variant in disease conclusively. Therefore, this variant is classified as a Variant of Uncertain Significance.

This study involves interpretation of variants in research participants for the purpose of population health screening. Participant phenotype was not available at the time of variant classification. Additional details can be found in publication PMID: 35346344, PMCID: PMC8962531

Labcorp Genetics (formerly Invitae), Labcorp
Classification: Uncertain significance for Hereditary nonpolyposis colorectal neoplasms. Last evaluated: 2021-12-21. Review status: criteria provided, single submitter. Criteria: Invitae Variant Classification Sherloc (09022015). Collection method: clinical testing. Allele origin: germline.
Comment: This sequence change replaces leucine, which is neutral and non-polar, with isoleucine, which is neutral and non-polar, at codon 350 of the PMS2 protein (p.Leu350Ile). In summary, the available evidence is currently insufficient to determine the role of this variant in disease. Therefore, it has been classified as a Variant of Uncertain Significance. Advanced modeling of protein sequence and biophysical properties (such as structural, functional, and spatial information, amino acid conservation, physicochemical variation, residue mobility, and thermodynamic stability) performed at Invitae indicates that this missense variant is not expected to disrupt PMS2 protein function. This variant has not been reported in the literature in individuals affected with PMS2-related conditions. This variant is not present in population databases (gnomAD no frequency).

NM_000535.7(PMS2):c.1048C>A (p.Leu350Ile)

Gene: PMS2 (PMS1 homolog 2, mismatch repair system component; minus strand). Cytogenetic location: 7p22.1.
Variant type: single nucleotide variant.
Coding change: c.1048C>A on transcript NM_000535.7 (MANE Select); coding-DNA position 1048, C replaced by A.
Protein change: p.Leu350Ile; replaces leucine 350 with isoleucine.
Molecular consequence: missense variant. On other transcripts: non-coding transcript variant (1), intron variant (2).
Genome position (GRCh38, 1-based): chr7:5,989,896, G>T on the plus strand (C>A on the coding strand, the complement: PMS2 is on the minus strand). VCF-style: chr7-5989896-G-T. GRCh37 (hg19) VCF-style: chr7-6029527-G-T.
Other names: c.643C>A, p.Leu215Ile (NM_001018040.1, NM_001322003.2, NM_001322004.2 and 17 more transcripts); c.730C>A, p.Leu244Ile (NM_001322007.2, NM_001322008.2, NM_001406876.1 and 2 more transcripts); c.115C>A, p.Leu39Ile (NM_001322011.2, NM_001322012.2); c.475C>A, p.Leu159Ile (NM_001322013.2, NM_001406909.1); c.1048C>A, p.Leu350Ile (NM_001322014.2, NM_001406871.1, NM_001406872.1); c.739C>A, p.Leu247Ile (NM_001322015.2, NM_001406875.1, NM_001406877.1 and 5 more transcripts); c.1234C>A, p.Leu412Ile (NM_001406866.1); c.1072C>A, p.Leu358Ile (NM_001406868.1); and 9 more; short protein forms L159I, L247I, L314I, L228I, L244I, L350I, L358I, L39I.
Identifiers: ClinVar variation 1775994 (VCV001775994.9), dbSNP rs587782875, ClinGen allele CA366742914.